The following is an entry in ClinVar:

NM_022051.3(EGLN1):c.168C>T (p.Leu56=)

Gene: EGLN1 (egl-9 family hypoxia inducible factor 1; minus strand). Cytogenetic location: 1q42.2.
Variant type: single nucleotide variant.
Coding change: c.168C>T on transcript NM_022051.3 (MANE Select); coding-DNA position 168, C replaced by T.
Protein change: p.Leu56=; no amino-acid change (leucine 56 retained).
Molecular consequence: synonymous variant.
Genome position (GRCh38, 1-based): chr1:231,421,721, G>A on the plus strand (C>T on the coding strand, the complement: EGLN1 is on the minus strand). VCF-style: chr1-231421721-G-A. GRCh37 (hg19) VCF-style: chr1-231557467-G-A.
Other names: c.168C>T, p.Leu56= (NM_001377260.1, NM_001377261.1).
Identifiers: ClinVar variation 1630306 (VCV001630306.27), dbSNP rs750205790, ClinGen allele CA1453198.

ClinVar aggregate classification (germline): Likely benign. Review status: criteria provided, multiple submitters, no conflicts (2 of 4 stars). 4 submissions from 4 submitters: Likely benign (4). Last evaluated 2025-12-22.

Conditions:
Erythrocytosis, familial, 3 (ECYT3). Identifiers: Orphanet 247511, MedGen C1853286, MONDO:0012353, OMIM 609820.

Allele frequency attached by ClinVar (database versions not stated): gnomAD 0.00005; gnomAD exomes 0.00005 and 0.00008; TOPMed 0.00008; ExAC 0.00019.
gnomAD v4.1: 86 of 1,529,672 alleles (0.0056%); highest among the groups gnomAD compares: Middle Eastern, 0.12%; no homozygotes.

Submissions (4):

Labcorp Genetics (formerly Invitae), Labcorp
Classification: Likely benign for Erythrocytosis, familial, 3. Last evaluated: 2025-12-22. Review status: criteria provided, single submitter. Criteria: Invitae Variant Classification Sherloc (09022015). Collection method: clinical testing. Allele origin: germline.

CeGaT Center for Human Genetics Tuebingen
Classification: Likely benign. Last evaluated: 2024-10-01. Review status: criteria provided, single submitter. Criteria: CeGaT Center For Human Genetics Tuebingen Variant Classification Criteria Version 2. Collection method: clinical testing. Allele origin: germline. Affected: yes. Observed: 2 variant alleles.
Comment: EGLN1: BP4, BP7

Blueprint Genetics
Classification: Likely benign. Last evaluated: 2024-07-12. Review status: criteria provided, single submitter. Criteria: ACMG Guidelines, 2015. Collection method: clinical testing. Allele origin: germline.

Ambry Genetics
Classification: Likely benign. Last evaluated: 2022-02-14. Review status: criteria provided, single submitter. Criteria: Ambry Variant Classification Scheme 2023. Collection method: clinical testing. Allele origin: germline.